The following is an entry in ClinVar:

ClinVar aggregate classification (germline): Likely benign. Review status: criteria provided, single submitter (1 of 4 stars). 2 submissions from 2 submitters: Likely benign (1). 1 of the submissions does not count toward it. Last evaluated 2025-12-01.

Conditions:
KANK1-related disorder. Also called: KANK1-related condition.

Allele frequency attached by ClinVar (database versions not stated): TOPMed 0.00001.
gnomAD v4.1: 7 of 1,614,116 alleles (0.00043%); highest among the groups gnomAD compares: Admixed American, 0.012%; no homozygotes.

Submissions (2):

Labcorp Genetics (formerly Invitae), Labcorp
Classification: Likely benign. Last evaluated: 2025-12-01. Review status: criteria provided, single submitter. Criteria: Invitae Variant Classification Sherloc (09022015). Collection method: clinical testing. Allele origin: germline.

PreventionGenetics, part of Exact Sciences
Classification: Likely benign for KANK1-related condition. Last evaluated: 2020-04-20. Review status: no assertion criteria provided. Collection method: clinical testing. Allele origin: germline. Not counted in ClinVar's aggregate classification.
Comment: This variant is classified as likely benign based on ACMG/AMP sequence variant interpretation guidelines (Richards et al. 2015 PMID: 25741868, with internal and published modifications).

NM_015158.5(KANK1):c.3123A>G (p.Glu1041=)

Gene: KANK1 (KN motif and ankyrin repeat domains 1; plus strand). Cytogenetic location: 9p24.3.
Variant type: single nucleotide variant.
Coding change: c.3123A>G on transcript NM_015158.5 (MANE Select); coding-DNA position 3123, A replaced by G.
Protein change: p.Glu1041=; no amino-acid change (glutamic acid 1041 retained).
Molecular consequence: synonymous variant. On other transcripts: intron variant (5).
Genome position (GRCh38, 1-based): chr9:732,495, A>G. VCF-style: chr9-732495-A-G. GRCh37 (hg19) VCF-style: chr9-732495-A-G.
Other names: c.3123A>G, p.Glu1041= (NM_001256876.3, NM_001256877.3, NM_001354334.2); c.3069A>G, p.Glu1023= (NM_001354332.2); c.2649A>G, p.Glu883= (NM_001354333.2, NM_001354335.2, NM_001354337.2 and 2 more transcripts); c.2595A>G, p.Glu865= (NM_001354338.2, NM_001354340.2, NM_001354344.2); c.3005+1229A>G (NM_001354331.2); c.2477+1229A>G (NM_001354336.2); c.2531+1229A>G (NM_001354339.2, NM_001354343.2, NM_001354342.2); c.3123A>G (NM_015158.3).
Identifiers: ClinVar variation 1987043 (VCV001987043.6), dbSNP rs760526483, ClinGen allele CA463850211.